The following is an entry in ClinVar:

ClinVar aggregate classification (germline): Uncertain significance (1 of 4 stars; one submission).

Allele frequency attached by ClinVar (database versions not stated): TOPMed 0.00001; gnomAD 0.00002; ESP Exome Variant Server 0.00008; ExAC 0.00001.

Submission:

Labcorp Genetics (formerly Invitae), Labcorp
Classification: Uncertain significance. Last evaluated: 2025-01-05. Review status: criteria provided, single submitter. Criteria: Invitae Variant Classification Sherloc (09022015). Collection method: clinical testing. Allele origin: germline.
Comment: This sequence change replaces leucine, which is neutral and non-polar, with proline, which is neutral and non-polar, at codon 47 of the TMEM151A protein (p.Leu47Pro). This variant is present in population databases (rs370848469, gnomAD 0.004%). This missense change has been observed in individual(s) with paroxysmal kinesigenic dyskinesia (PMID: 34518509). ClinVar contains an entry for this variant (Variation ID: 2698371). An algorithm developed to predict the effect of missense changes on protein structure and function (PolyPhen-2) suggests that this variant is likely to be disruptive. Experimental studies have shown that this missense change affects TMEM151A function (PMID: 34518509). In summary, the available evidence is currently insufficient to determine the role of this variant in disease. Therefore, it has been classified as a Variant of Uncertain Significance.

Literature cited by the submitters: PubMed 34518509.

NM_153266.4(TMEM151A):c.140T>C (p.Leu47Pro)

Gene: TMEM151A (transmembrane protein 151A; plus strand). Cytogenetic location: 11q13.2.
Variant type: single nucleotide variant.
Coding change: c.140T>C on transcript NM_153266.4 (MANE Select); coding-DNA position 140, T replaced by C.
Protein change: p.Leu47Pro; replaces leucine 47 with proline.
Molecular consequence: missense variant.
Genome position (GRCh38, 1-based): chr11:66,294,386, T>C. VCF-style: chr11-66294386-T-C. GRCh37 (hg19) VCF-style: chr11-66061857-T-C.
Other names: short protein forms L47P.
Identifiers: ClinVar variation 2698371 (VCV002698371.3), dbSNP rs370848469, ClinGen allele CA6118545.
Genomic context (GRCh38, chr11:66,294,386, plus strand): 5'-GGCCCCTGAAACAGTCCCTGGGAAGCTCCCTGTGCCGCGAGTCGCACTGGAAGTGCCTGC[T>C]CCTCACGCTGCTCATCCACGCCTGCGGGGCCGTGGTGGCCTGGTGTCGCCTGGCCACAGT-3'
Protein context (NP_694998.1, residues 37-57): LCRESHWKCL[Leu47Pro]LTLLIHACGA